The following is an entry in ClinVar:

ClinVar aggregate classification (germline): Likely benign (0 of 4 stars; one submission).

Conditions:
HSD17B3-related disorder. Also called: HSD17B3-related condition.

Allele frequency attached by ClinVar (database versions not stated): gnomAD 0.00001; gnomAD exomes 0.00001; ExAC 0.00002; TOPMed 0.00002.
gnomAD v4.1: 24 of 1,612,114 alleles (0.0015%); highest among the groups gnomAD compares: Non-Finnish European, 0.0018%; no homozygotes.

Submission:

PreventionGenetics, part of Exact Sciences
Classification: Likely benign for HSD17B3-related condition. Last evaluated: 2019-06-18. Review status: no assertion criteria provided. Collection method: clinical testing. Allele origin: germline.
Comment: This variant is classified as likely benign based on ACMG/AMP sequence variant interpretation guidelines (Richards et al. 2015 PMID: 25741868, with internal and published modifications).

NM_000197.2(HSD17B3):c.928A>C (p.Arg310=)

Genes: HSD17B3 (hydroxysteroid 17-beta dehydrogenase 3; minus strand), SLC35D2-HSD17B3 (SLC35D2-HSD17B3 readthrough; minus strand). Cytogenetic location: 9q22.32.
Variant type: single nucleotide variant.
Coding change: c.928A>C on transcript NM_000197.2 (MANE Select); coding-DNA position 928, A replaced by C.
Protein change: p.Arg310=; no amino-acid change (arginine 310 retained).
Molecular consequence: synonymous variant. On other transcripts: non-coding transcript variant (1).
Genome position (GRCh38, 1-based): chr9:96,235,465, T>G on the plus strand (A>C on the coding strand, the complement: HSD17B3 is on the minus strand). VCF-style: chr9-96235465-T-G. GRCh37 (hg19) VCF-style: chr9-98997747-T-G.
Identifiers: ClinVar variation 3034067 (VCV003034067.2), dbSNP rs746120771, ClinGen allele CA5140226.